The following is an entry in ClinVar:

ClinVar aggregate classification (germline): Pathogenic/Likely pathogenic. Review status: criteria provided, multiple submitters, no conflicts (2 of 4 stars). 5 submissions from 5 submitters: Pathogenic (3); Likely pathogenic (1). 1 of the submissions does not count toward it. Last evaluated 2024-01-05.

Conditions:
Malignant hyperthermia, susceptibility to, 1 (MHS1). Also called: Anesthesia related hyperthermia; Malignant hyperpyrexia; Fulminating hyperpyrexia; Pharmacogenic myopathy; RYR1-Related Malignant Hyperthermia Susceptibility; Malignant hyperthermia suceptibility 1. Identifiers: Orphanet 423, MedGen C2930980, MONDO:0007783, OMIM 145600.
Congenital myopathy with fiber type disproportion. Also called: Congenital fiber-type disproportion; Congenital fiber-type disproportion myopathy. Identifiers: Orphanet 2020, MedGen C0546264, MONDO:0009711. Inheritance: all.
Central core myopathy (CMYO1A). Also called: CONGENITAL MYOPATHY 1A, AUTOSOMAL DOMINANT, WITH SUSCEPTIBILITY TO MALIGNANT HYPERTHERMIA; Central core disease; Myopathy, central fibrillar. Identifiers: Orphanet 597, MedGen C5830701, MONDO:0007294, OMIM 117000.
Congenital multicore myopathy with external ophthalmoplegia (CMYO1B). Also called: MULTICORE MYOPATHY; MULTIMINICORE DISEASE WITH EXTERNAL OPHTHALMOPLEGIA; Congenital myopathy 1B, autosomal recessive; Minicore myopathy; Minicore myopathy with external ophthalmoplegia. Identifiers: Orphanet 598, Orphanet 98905, MedGen C1850674, MONDO:0009712, OMIM 255320, HP:0003789.
King Denborough syndrome (KDS). Identifiers: MedGen C1840365, MONDO:0020485, OMIM 619542.
RYR1-related disorder. Also called: RYR1-related disorders; RYR1-related condition. Identifiers: MedGen CN239331.

Allele frequency attached by ClinVar (database versions not stated): gnomAD exomes below 0.00001 and 0.00001; gnomAD 0.00001; TOPMed 0.00001.
gnomAD v4.1: 14 of 1,613,890 alleles (0.00087%); highest among the groups gnomAD compares: Non-Finnish European, 0.0012%; no homozygotes.

Submissions (5):

Labcorp Genetics (formerly Invitae), Labcorp
Classification: Pathogenic for RYR1-related disorder. Last evaluated: 2024-01-05. Review status: criteria provided, single submitter. Criteria: Invitae Variant Classification Sherloc (09022015). Collection method: clinical testing. Allele origin: germline.
Comment: This sequence change creates a premature translational stop signal (p.Trp661*) in the RYR1 gene. It is expected to result in an absent or disrupted protein product. Loss-of-function variants in RYR1 are known to be pathogenic (PMID: 23919265, 25960145, 28818389, 30611313). This variant is present in population databases (no rsID available, gnomAD 0.0009%). This premature translational stop signal has been observed in individual(s) with clinical features of autosomal recessive congenital myopathy (PMID: 21911697). ClinVar contains an entry for this variant (Variation ID: 853883). For these reasons, this variant has been classified as Pathogenic.

GeneDx
Classification: Likely pathogenic. Last evaluated: 2023-08-11. Review status: criteria provided, single submitter. Criteria: GeneDx Variant Classification Process June 2021. Collection method: clinical testing. Allele origin: germline. Affected: yes.
Comment: Nonsense variant predicted to result in protein truncation or nonsense mediated decay in a gene for which loss of function is a known mechanism of disease; Identified in an individual with congenital myopathy who had a likely pathogenic RYR1 variant on the opposite allele (in trans) (Klein et al., 2011; Klein et al., 2012); Not observed at significant frequency in large population cohorts (gnomAD); This variant is associated with the following publications: (PMID: 22473935, 23127960, 31903994, 21911697)

Fulgent Genetics
Classification: Pathogenic for Central core myopathy; Malignant hyperthermia, susceptibility to, 1; Congenital myopathy 4A, autosomal dominant; Congenital multicore myopathy with external ophthalmoplegia; King Denborough syndrome. Last evaluated: 2021-10-08. Review status: criteria provided, single submitter. Criteria: ACMG Guidelines, 2015. Collection method: clinical testing. Allele origin: unknown.

Revvity Omics, Revvity
Classification: Pathogenic. Last evaluated: 2021-05-12. Review status: criteria provided, single submitter. Criteria: ACMG Guidelines, 2015. Collection method: clinical testing. Allele origin: germline.

All of Us Research Program, National Institutes of Health
Classification: Uncertain significance for Malignant hyperthermia, susceptibility to, 1. Last evaluated: 2023-12-18. Review status: flagged submission. Criteria: ACMG Guidelines, 2015. Collection method: clinical testing. Allele origin: germline. Inheritance: Autosomal dominant inheritance. Observed: 2 variant alleles, 2 heterozygotes. Not counted in ClinVar's aggregate classification.
Comment: This variant changes 1 nucleotide in exon 18 of the RYR1 gene, creating a premature translation stop signal. This variant is expected to result in an absent or non-functional protein product. This variant has been identified in 2/282590 chromosomes in the general population by the Genome Aggregation Database (gnomAD). Loss of RYR1 function due to haploinsufficiency is not an established disease mechanism for autosomal dominant malignant hyperthermia, although it is associated with other phenotype(s) (ClinVar Variation ID: 853883). Due to insufficient evidence, this variant is classified as a Variant of Uncertain Significance for autosomal dominant malignant hyperthermia.

This study involves interpretation of variants in research participants for the purpose of population health screening. Participant phenotype was not available at the time of variant classification. Additional details can be found in publication PMID: 35346344, PMCID: PMC8962531
ClinVar note: Reason: Outlier claim with insufficient supporting evidence

Literature cited by the submitters: PubMed 23919265 (cited by Labcorp Genetics (formerly Invitae), Labcorp); PubMed 25960145 (cited by Labcorp Genetics (formerly Invitae), Labcorp); PubMed 28818389 (cited by Labcorp Genetics (formerly Invitae), Labcorp); PubMed 30611313 (cited by Labcorp Genetics (formerly Invitae), Labcorp); PubMed 21911697 (cited by Labcorp Genetics (formerly Invitae), Labcorp).

NM_000540.3(RYR1):c.1983G>A (p.Trp661Ter)

Gene: RYR1 (ryanodine receptor 1; plus strand). Cytogenetic location: 19q13.2.
Variant type: single nucleotide variant.
Coding change: c.1983G>A on transcript NM_000540.3 (MANE Select); coding-DNA position 1983, G replaced by A.
Protein change: p.Trp661Ter; replaces tryptophan 661 with a stop codon.
Molecular consequence: nonsense.
Genome position (GRCh38, 1-based): chr19:38,458,108, G>A. VCF-style: chr19-38458108-G-A. GRCh37 (hg19) VCF-style: chr19-38948748-G-A.
Other names: c.1983G>A, p.Trp661Ter (NM_001042723.2); short protein forms W661*.
Identifiers: ClinVar variation 853883 (VCV000853883.15), dbSNP rs1305971341, ClinGen allele CA405695616.